The following is an entry in ClinVar:

NM_201599.3(ZMYM3):c.1260C>T (p.His420=)

Gene: ZMYM3 (zinc finger MYM-type containing 3; minus strand). Cytogenetic location: Xq13.1.
Variant type: single nucleotide variant.
Coding change: c.1260C>T on transcript NM_201599.3 (MANE Select); coding-DNA position 1260, C replaced by T.
Protein change: p.His420=; no amino-acid change (histidine 420 retained).
Molecular consequence: synonymous variant.
Genome position (GRCh38, 1-based): chrX:71,249,671, G>A on the plus strand (C>T on the coding strand, the complement: ZMYM3 is on the minus strand). VCF-style: chrX-71249671-G-A. GRCh37 (hg19) VCF-style: chrX-70469521-G-A.
Other names: c.1260C>T, p.His420= (NM_001171162.1, NM_001171163.1, NM_005096.3).
Identifiers: ClinVar variation 3355440 (VCV003355440.1).
Genomic context (GRCh38, chrX:71,249,671, plus strand): 5'-GAATTTGGAGAAGCAAGAATCGCTGCAGAGCCGGTGTACCACGCTGCCATTGCTGACCTC[G>A]TGCAGGACCTGCCACACACATACACGCACCCTGAGCTAGGGCCTGGCCACCACCGCCCAC-3'
Protein context (NP_963893.1, residues 410-430): SICQKTGEVL[His420=]EVSNGSVVHR

ClinVar aggregate classification (germline): Likely benign (0 of 4 stars; one submission).

Conditions:
ZMYM3-related disorder. Also called: ZMYM3-related condition.

gnomAD v4.1: 7 of 1,208,534 alleles (0.00058%); highest among the groups gnomAD compares: Middle Eastern, 0.023%; no homozygotes.

Submission:

PreventionGenetics, part of Exact Sciences
Classification: Likely benign for ZMYM3-related condition. Last evaluated: 2024-07-10. Review status: no assertion criteria provided. Collection method: clinical testing. Allele origin: germline.
Comment: This variant is classified as likely benign based on ACMG/AMP sequence variant interpretation guidelines (Richards et al. 2015 PMID: 25741868, with internal and published modifications).